The following is an entry in ClinVar:

ClinVar aggregate classification (germline): Uncertain significance (1 of 4 stars; one submission).

gnomAD v4.1: 2 of 1,210,586 alleles (0.00017%); highest among the groups gnomAD compares: Non-Finnish European, 0.00022%; no homozygotes.

Submission:

GeneDx
Classification: Uncertain significance. Last evaluated: 2022-09-14. Review status: criteria provided, single submitter. Criteria: GeneDx Variant Classification Process June 2021. Collection method: clinical testing. Allele origin: germline. Affected: yes.
Comment: Not observed at significant frequency in large population cohorts (gnomAD); In silico analysis supports that this missense variant has a deleterious effect on protein structure/function; Has not been previously published as pathogenic or benign to our knowledge

NM_001256447.2(BCAP31):c.73C>A (p.Pro25Thr)

Gene: BCAP31 (B cell receptor associated protein 31; minus strand). Cytogenetic location: Xq28.
Variant type: single nucleotide variant.
Coding change: c.73C>A on transcript NM_001256447.2 (MANE Select); coding-DNA position 73, C replaced by A.
Protein change: p.Pro25Thr; replaces proline 25 with threonine.
Molecular consequence: missense variant.
Genome position (GRCh38, 1-based): chrX:153,723,172, G>T on the plus strand (C>A on the coding strand, the complement: BCAP31 is on the minus strand). VCF-style: chrX-153723172-G-T. GRCh37 (hg19) VCF-style: chrX-152988627-G-T.
Other names: c.73C>A, p.Pro25Thr (NM_001139441.1, NM_005745.8); c.274C>A, p.Pro92Thr (NM_001139457.2); short protein forms P25T, P92T.
Identifiers: ClinVar variation 2444719 (VCV002444719.1), dbSNP rs782786816, ClinGen allele CA415096013.
Genomic context (GRCh38, chrX:153,723,172, plus strand): 5'-ACCCTCCTGCCTAACTCGCCTGCTTGCTCCATAGGCCATACCTTTTAGGAGAAATGAAGG[G>T]AATGCAGAGAAGCAACACAACAAAGACCTCCGCATAGAGGAAGGTGGCAACTGCAGTCCA-3'
Protein context (NP_001243376.1, residues 15-35): EVFVVLLLCI[Pro25Thr]FISPKRWQKI